The following is an entry in ClinVar:

ClinVar aggregate classification (germline): Uncertain significance. Review status: criteria provided, multiple submitters, no conflicts (2 of 4 stars). 2 submissions from 2 submitters: Uncertain significance (2). Last evaluated 2023-02-10.

Conditions:
Myopathy, proximal, and ophthalmoplegia (CMYO6). Also called: MYOPATHY WITH CONGENITAL JOINT CONTRACTURES, OPHTHALMOPLEGIA, AND RIMMED VACUOLES; INCLUSION BODY MYOPATHY 3, AUTOSOMAL DOMINANT; CONGENITAL MYOPATHY 6 WITH OPHTHALMOPLEGIA. Identifiers: Orphanet 363677, Orphanet 79091, MedGen C1854106, MONDO:0011577, OMIM 605637.

Submissions (2):

GeneDx
Classification: Uncertain significance. Last evaluated: 2023-02-10. Review status: criteria provided, single submitter. Criteria: GeneDx Variant Classification Process June 2021. Collection method: clinical testing. Allele origin: germline. Affected: yes.
Comment: Not observed at significant frequency in large population cohorts (gnomAD); In silico analysis supports that this missense variant has a deleterious effect on protein structure/function; Has not been previously published as pathogenic or benign to our knowledge

Labcorp Genetics (formerly Invitae), Labcorp
Classification: Uncertain significance for Myopathy, proximal, and ophthalmoplegia. Last evaluated: 2022-12-04. Review status: criteria provided, single submitter. Criteria: Invitae Variant Classification Sherloc (09022015). Collection method: clinical testing. Allele origin: germline.
Comment: This sequence change replaces phenylalanine, which is neutral and non-polar, with leucine, which is neutral and non-polar, at codon 47 of the MYH2 protein (p.Phe47Leu). This variant is not present in population databases (gnomAD no frequency). In summary, the available evidence is currently insufficient to determine the role of this variant in disease. Therefore, it has been classified as a Variant of Uncertain Significance. Advanced modeling of protein sequence and biophysical properties (such as structural, functional, and spatial information, amino acid conservation, physicochemical variation, residue mobility, and thermodynamic stability) performed at Invitae indicates that this missense variant is expected to disrupt MYH2 protein function. This variant has not been reported in the literature in individuals affected with MYH2-related conditions.

NM_017534.6(MYH2):c.139T>C (p.Phe47Leu)

Genes: MYH2 (myosin heavy chain 2; minus strand), MYHAS (myosin heavy chain gene cluster antisense RNA; plus strand). Cytogenetic location: 17p13.1.
Variant type: single nucleotide variant.
Coding change: c.139T>C on transcript NM_017534.6 (MANE Select); coding-DNA position 139, T replaced by C.
Protein change: p.Phe47Leu; replaces phenylalanine 47 with leucine.
Molecular consequence: missense variant.
Genome position (GRCh38, 1-based): chr17:10,547,782, A>G on the plus strand (T>C on the coding strand, the complement: MYH2 is on the minus strand). VCF-style: chr17-10547782-A-G. GRCh37 (hg19) VCF-style: chr17-10451099-A-G.
Other names: c.139T>C, p.Phe47Leu (NM_001100112.2); short protein forms F47L.
Identifiers: ClinVar variation 2575607 (VCV002575607.4), dbSNP rs2508480194, ClinGen allele CA398174007.
Genomic context (GRCh38, chr17:10,547,782, plus strand): 5'-CTCCCTCAGTCTTCACCGTCACTTTTCCTCCTTCTCTGCTCTGGATGGTCCCTTTGACAA[A>G]GGATTCTTTGGGCTCCGCCACAAAGACAGATGTTTTGGCATCAAAGGGCCTATTCTGGGC-3'
Protein context (NP_060004.3, residues 37-57): SVFVAEPKES[Phe47Leu]VKGTIQSREG